The following is an entry in ClinVar:

ClinVar aggregate classification (germline): Uncertain significance (1 of 4 stars; one submission).

Conditions:
Hypertrophic cardiomyopathy 14. Identifiers: MedGen C2750467, MONDO:0013197, OMIM 613251.

Submission:

Labcorp Genetics (formerly Invitae), Labcorp
Classification: Uncertain significance for Hypertrophic cardiomyopathy 14. Last evaluated: 2022-07-19. Review status: criteria provided, single submitter. Criteria: Invitae Variant Classification Sherloc (09022015). Collection method: clinical testing. Allele origin: germline.
Comment: In summary, the available evidence is currently insufficient to determine the role of this variant in disease. Therefore, it has been classified as a Variant of Uncertain Significance. Algorithms developed to predict the effect of missense changes on protein structure and function are either unavailable or do not agree on the potential impact of this missense change (SIFT: "Deleterious"; PolyPhen-2: "Possibly Damaging"; Align-GVGD: "Class C0"). ClinVar contains an entry for this variant (Variation ID: 470533). This variant has not been reported in the literature in individuals affected with MYH6-related conditions. This variant is not present in population databases (gnomAD no frequency). This sequence change replaces alanine, which is neutral and non-polar, with valine, which is neutral and non-polar, at codon 13 of the MYH6 protein (p.Ala13Val).

NM_002471.4(MYH6):c.38C>T (p.Ala13Val)

Genes: MYH6 (myosin heavy chain 6; minus strand), LOC114827851 (VISTA enhancer hs2155; plus strand). Cytogenetic location: 14q11.2.
Variant type: single nucleotide variant.
Coding change: c.38C>T on transcript NM_002471.4 (MANE Select); coding-DNA position 38, C replaced by T.
Protein change: p.Ala13Val; replaces alanine 13 with valine.
Molecular consequence: missense variant.
Genome position (GRCh38, 1-based): chr14:23,407,186, G>A on the plus strand (C>T on the coding strand, the complement: MYH6 is on the minus strand). VCF-style: chr14-23407186-G-A. GRCh37 (hg19) VCF-style: chr14-23876395-G-A.
Other names: short protein forms A13V.
Identifiers: ClinVar variation 470533 (VCV000470533.6), dbSNP rs1555335309, ClinGen allele CA389032198.
Genomic context (GRCh38, chr14:23,407,186, plus strand): 5'-ATGTCAAAGGGCCGGGTCTGGGCCTCTAGACGCTCCTTCTCTGACTTGCGGAGGTACTGG[G>A]CCGCTGCCCCAAAGTCAGCCATCTGGGCATCGGTCATCTTGGTGCTTCCCCTGGGTCAGA-3'
Protein context (NP_002462.2, residues 3-23): DAQMADFGAA[Ala13Val]QYLRKSEKER